The following is an entry in ClinVar:

NM_001083961.2(WDR62):c.3536C>T (p.Ala1179Val)

Gene: WDR62 (WD repeat domain 62; plus strand). Cytogenetic location: 19q13.12.
Variant type: single nucleotide variant.
Coding change: c.3536C>T on transcript NM_001083961.2 (MANE Select); coding-DNA position 3536, C replaced by T.
Protein change: p.Ala1179Val; replaces alanine 1179 with valine.
Molecular consequence: missense variant.
Genome position (GRCh38, 1-based): chr19:36,103,364, C>T. VCF-style: chr19-36103364-C-T. GRCh37 (hg19) VCF-style: chr19-36594266-C-T.
Other names: c.3521C>T, p.Ala1174Val (NM_173636.5); short protein forms A1179V, A1174V.
Identifiers: ClinVar variation 328926 (VCV000328926.7), dbSNP rs372642550, ClinGen allele CA9396336.

ClinVar aggregate classification (germline): Conflicting classifications of pathogenicity. Review status: criteria provided, conflicting classifications (1 of 4 stars). 3 submissions from 3 submitters: Uncertain significance (2); Likely benign (1). Last evaluated 2024-08-01.

Conditions:
Inborn genetic diseases. Identifiers: MedGen C0950123, MeSH D030342.
Microcephaly 2, primary, autosomal recessive, with or without cortical malformations. Also called: MICROCEPHALY 2, PRIMARY, AUTOSOMAL RECESSIVE, WITH CORTICAL MALFORMATIONS; WDR62 Primary Microcephaly. Identifiers: Orphanet 2512, MedGen C1858535, MONDO:0011435, OMIM 604317.

Allele frequency attached by ClinVar (database versions not stated): ExAC 0.00003; gnomAD 0.00003; gnomAD exomes 0.00003; TOPMed 0.00004; ESP Exome Variant Server 0.00008.
gnomAD v4.1: 133 of 1,614,080 alleles (0.0082%); highest among the groups gnomAD compares: Non-Finnish European, 0.011%; no homozygotes.

Submissions (3):

Ambry Genetics
Classification: Likely benign for Inborn genetic diseases. Last evaluated: 2024-08-01. Review status: criteria provided, single submitter. Criteria: Ambry Variant Classification Scheme 2023. Collection method: clinical testing. Allele origin: germline.

GeneDx
Classification: Uncertain significance. Last evaluated: 2024-01-02. Review status: criteria provided, single submitter. Criteria: GeneDx Variant Classification Process June 2021. Collection method: clinical testing. Allele origin: germline. Affected: yes.
Comment: Not observed at significant frequency in large population cohorts (gnomAD); In silico analysis supports that this missense variant does not alter protein structure/function; In silico analysis suggests this variant may impact gene splicing. In the absence of RNA/functional studies, the actual effect of this sequence change is unknown.; Has not been previously published as pathogenic or benign to our knowledge

Illumina Laboratory Services, Illumina
Classification: Uncertain significance for Microcephaly 2, primary, autosomal recessive, with or without cortical malformations. Last evaluated: 2018-01-13. Review status: criteria provided, single submitter. Criteria: ICSL Variant Classification Criteria 13 December 2019. Collection method: clinical testing. Allele origin: germline.